The following is an entry in ClinVar:

ClinVar aggregate classification (germline): Uncertain significance (1 of 4 stars; one submission).

Conditions:
STING-associated vasculopathy with onset in infancy. Also called: Sting-associated vasculopathy, infantile-onset. Identifiers: Orphanet 425120, MedGen C4014722, MONDO:0014405, OMIM 615934.

gnomAD v4.1: 2 of 1,613,442 alleles (0.00012%); highest among the groups gnomAD compares: Non-Finnish European, 0.00017%; no homozygotes.

Submission:

Labcorp Genetics (formerly Invitae), Labcorp
Classification: Uncertain significance for STING-associated vasculopathy with onset in infancy. Last evaluated: 2024-06-08. Review status: criteria provided, single submitter. Criteria: Invitae Variant Classification Sherloc (09022015). Collection method: clinical testing. Allele origin: germline.
Comment: This sequence change falls in intron 7 of the TMEM173 gene. It does not directly change the encoded amino acid sequence of the TMEM173 protein. It affects a nucleotide within the consensus splice site. This variant is present in population databases (no rsID available, gnomAD 0.0009%). This variant has not been reported in the literature in individuals affected with TMEM173-related conditions. Variants that disrupt the consensus splice site are a relatively common cause of aberrant splicing (PMID: 17576681, 9536098). Algorithms developed to predict the effect of sequence changes on RNA splicing suggest that this variant may disrupt the consensus splice site. In summary, the available evidence is currently insufficient to determine the role of this variant in disease. Therefore, it has been classified as a Variant of Uncertain Significance.

Literature cited by the submitters: PubMed 17576681; PubMed 9536098.

NM_198282.4(STING1):c.946+1G>A

Gene: STING1 (stimulator of interferon response cGAMP interactor 1; minus strand). Cytogenetic location: 5q31.2.
Variant type: single nucleotide variant.
Coding change: c.946+1G>A on transcript NM_198282.4 (MANE Select); the canonical splice donor site of the intron after coding-DNA position 946, G replaced by A.
Molecular consequence: splice donor variant. On other transcripts: intron variant (1).
Genome position (GRCh38, 1-based): chr5:139,477,328, C>T on the plus strand (G>A on the coding strand, the complement: STING1 is on the minus strand). VCF-style: chr5-139477328-C-T. GRCh37 (hg19) VCF-style: chr5-138856913-C-T.
Other names: c.589+1G>A (NM_001367258.1); c.760-874G>A (NM_001301738.2).
Identifiers: ClinVar variation 3607706 (VCV003607706.2).
Genomic context (GRCh38, chr5:139,477,328, plus strand): 5'-TGGGACCCCTGACTCCTCCTGCCCTCCAGCCTATCAACCCCTCACCCTACCAACCCCTCA[C>T]CCTGGTAGGCAATGAGGCGGCAGTTGTTCTGAGACTCAGGGGCATCTGCCAGGATGTCCT-3'